The following is an entry in ClinVar:

ClinVar aggregate classification (germline): Pathogenic. Review status: criteria provided, multiple submitters, no conflicts (2 of 4 stars). 5 submissions from 5 submitters: Pathogenic (4). 1 of the submissions does not count toward it. Last evaluated 2021-07-15.

Conditions:
NIPBL-related disorder. Also called: NIPBL-related condition.
Cornelia de Lange syndrome 1 (CDLS1). Also called: NIPBL-Related Cornelia de Lange Syndrome; TYPUS DEGENERATIVUS AMSTELODAMENSIS; Brachmann de Lange syndrome. Identifiers: Orphanet 199, MedGen C4551851, MONDO:0007387, OMIM 122470.

Submissions (5):

Genome-Nilou Lab
Classification: Pathogenic for Cornelia de Lange syndrome 1. Last evaluated: 2021-07-15. Review status: criteria provided, single submitter. Criteria: ACMG Guidelines, 2015. Collection method: clinical testing. Allele origin: germline. Affected: no.

Labcorp Genetics (formerly Invitae), Labcorp
Classification: Pathogenic for Cornelia de Lange syndrome 1. Last evaluated: 2020-08-19. Review status: criteria provided, single submitter. Criteria: Invitae Variant Classification Sherloc (09022015). Collection method: clinical testing. Allele origin: germline.
Comment: Loss-of-function variants in NIPBL are known to be pathogenic (PMID: 15318302, 19763162, 23505322, 29995837). This variant has been observed in individual(s) with Cornelia de Lange syndrome (PMID: 15318302). ClinVar contains an entry for this variant (Variation ID: 2146). This variant is not present in population databases (ExAC no frequency). This sequence change creates a premature translational stop signal (p.Arg1723*) in the NIPBL gene. It is expected to result in an absent or disrupted protein product. For these reasons, this variant has been classified as Pathogenic.

Blueprint Genetics
Classification: Pathogenic for NIPBL-related disorders. Last evaluated: 2020-05-18. Review status: criteria provided, single submitter. Criteria: ACMG Guidelines, 2015. Collection method: clinical testing. Allele origin: germline. Affected: yes. Observed: 1 variant allele.

Genetic Services Laboratory, University of Chicago
Classification: Pathogenic for Cornelia de Lange syndrome 1. Last evaluated: 2013-06-27. Review status: criteria provided, single submitter. Criteria: ACMG Guidelines, 2007. Collection method: clinical testing. Allele origin: germline. Inheritance: Autosomal dominant inheritance. Affected: yes.

OMIM
Classification: Pathogenic for CORNELIA DE LANGE SYNDROME 1. Last evaluated: 2004-10-01. Review status: no assertion criteria provided. Collection method: literature only. Allele origin: germline. Not counted in ClinVar's aggregate classification.

Literature cited by the submitters: PubMed 15318302 (cited by Labcorp Genetics (formerly Invitae), Labcorp and OMIM); PubMed 19763162 (cited by Labcorp Genetics (formerly Invitae), Labcorp); PubMed 23505322 (cited by Labcorp Genetics (formerly Invitae), Labcorp); PubMed 29995837 (cited by Labcorp Genetics (formerly Invitae), Labcorp); PubMed 15146186 (cited by OMIM).

NM_133433.4(NIPBL):c.5167C>T (p.Arg1723Ter)

Gene: NIPBL (NIPBL cohesin loading factor; plus strand). Cytogenetic location: 5p13.2.
Variant type: single nucleotide variant.
Coding change: c.5167C>T on transcript NM_133433.4 (MANE Select); coding-DNA position 5167, C replaced by T.
Protein change: p.Arg1723Ter; replaces arginine 1723 with a stop codon.
Molecular consequence: nonsense.
Genome position (GRCh38, 1-based): chr5:37,020,615, C>T. VCF-style: chr5-37020615-C-T. GRCh37 (hg19) VCF-style: chr5-37020717-C-T.
Other names: c.5167C>T, p.Arg1723Ter (NM_015384.5); short protein forms R1723*.
Identifiers: ClinVar variation 2146 (VCV000002146.18), dbSNP rs121918267, ClinGen allele CA252120.